The following is an entry in ClinVar:

NM_001005273.3(CHD3):c.3385C>G (p.Gln1129Glu)

Gene: CHD3 (chromodomain helicase DNA binding protein 3; plus strand). Cytogenetic location: 17p13.1.
Variant type: single nucleotide variant.
Coding change: c.3385C>G on transcript NM_001005273.3 (MANE Select); coding-DNA position 3385, C replaced by G.
Protein change: p.Gln1129Glu; replaces glutamine 1129 with glutamic acid.
Molecular consequence: missense variant.
Genome position (GRCh38, 1-based): chr17:7,902,951, C>G. VCF-style: chr17-7902951-C-G. GRCh37 (hg19) VCF-style: chr17-7806269-C-G.
Other names: c.3562C>G, p.Gln1188Glu (NM_001005271.3, NM_001437504.1); c.3550C>G, p.Gln1184Glu (NM_001437507.1, NM_001437508.1, NM_001437509.1); c.3385C>G, p.Gln1129Glu (NM_005852.4); short protein forms Q1129E, Q1184E, Q1188E.
Identifiers: ClinVar variation 4291769 (VCV004291769.1).

ClinVar aggregate classification (germline): Uncertain significance (1 of 4 stars; one submission).

Conditions:
Snijders Blok-Campeau syndrome. Also called: INTELLECTUAL DEVELOPMENTAL DISORDER WITH MACROCEPHALY, SPEECH DELAY, AND DYSMORPHIC FACIES. Identifiers: Orphanet 599082, MedGen C4748701, MONDO:0032600, OMIM 618205.

Submission:

3billion
Classification: Uncertain significance for Snijders Blok-Campeau syndrome. Last evaluated: 2025-02-20. Review status: criteria provided, single submitter. Criteria: ACMG Guidelines, 2015. Collection method: clinical testing. Allele origin: germline. Affected: yes.
Comment: The variant is not observed in the gnomAD v4.1.0 dataset. Predicted Consequence/Location: Missense variant In silico tool predictions suggest damaging effect of the variant on gene or gene product [REVEL: 0.74 (>=0.6, sensitivity 0.68 and specificity 0.92); 3Cnet: 0.97 (>=0.6, sensitivity 0.72 and precision 0.9)]. The variant has been reported as of uncertain significance (PMID: 33057194). Therefore, this variant is classified as VUS according to the recommendation of ACMG/AMP guideline.